The following is an entry in ClinVar:

NM_020975.6(RET):c.2607+4C>T

Gene: RET (ret proto-oncogene; plus strand). Cytogenetic location: 10q11.21.
Variant type: single nucleotide variant.
Coding change: c.2607+4C>T on transcript NM_020975.6 (MANE Select); 4 bases into the intron after coding-DNA position 2607, C replaced by T.
Molecular consequence: intron variant.
Genome position (GRCh38, 1-based): chr10:43,119,749, C>T. VCF-style: chr10-43119749-C-T. GRCh37 (hg19) VCF-style: chr10-43615197-C-T.
Other names: c.2607+4C>T (NM_020630.7, NM_001406743.1, NM_001406744.1 and 2 more transcripts); c.2472+4C>T (NM_001406765.1, NM_001406763.1); c.2211+4C>T (NM_001406772.1, NM_001406769.1); c.2169+4C>T (NM_001406773.1, NM_001406771.1); c.1710+4C>T (NM_001406782.1, NM_001406780.1, NM_001406779.1 and 1 more transcripts); c.1575+4C>T (NM_001406787.1); c.1590+4C>T (NM_001406785.1); c.2478+4C>T (NM_001406764.1, NM_001406762.1, NM_001406761.1); and 10 more.
Identifiers: ClinVar variation 216720 (VCV000216720.26), dbSNP rs200634990, ClinGen allele CA040001.

ClinVar aggregate classification (germline): Conflicting classifications of pathogenicity. Review status: criteria provided, conflicting classifications (1 of 4 stars). 10 submissions from 9 submitters: Uncertain significance (6); Likely benign (1). 3 of the submissions do not count toward it. Last evaluated 2026-01-06.

Conditions:
Pheochromocytoma. Also called: MAX-Related Hereditary Paraganglioma-Pheochromocytoma Syndrome. Identifiers: Orphanet 29072, MedGen C0031511, MONDO:0008233, OMIM 171300, HP:0002666.
Hirschsprung disease, susceptibility to, 1 (HSCR1). Also called: RET-Related Hirschsprung Disease. Identifiers: Orphanet 388, MedGen C3888239, MONDO:0007723, OMIM 142623.
Familial medullary thyroid carcinoma (MTC). Also called: Thyroid cancer, familial medullary; MTC, familial; Familial Medullary Thyroid Carcinoma (FMTC). Identifiers: Orphanet 653, Orphanet 99361, MedGen C1833921, MONDO:0007958, OMIM 155240.
Multiple endocrine neoplasia type 2B. Also called: WAGENMANN-FROBOESE SYNDROME; MULTIPLE ENDOCRINE NEOPLASIA, TYPE III; MEN 2B; MUCOSAL NEUROMA SYNDROME; MULTIPLE ENDOCRINE NEOPLASIA, TYPE IIB; MEN IIB. Identifiers: Orphanet 247709, Orphanet 653, MedGen C0025269, MeSH D018814, MONDO:0008082, OMIM 162300.
Multiple endocrine neoplasia type 2A. Also called: MULTIPLE ENDOCRINE NEOPLASIA, TYPE IIA; PTC SYNDROME; SIPPLE SYNDROME; MEN 2A; MEN-2A syndrome; Pheochromocytoma and amyloid producing medullary thyroid carcinoma. Identifiers: Orphanet 247698, Orphanet 653, MedGen C0025268, MeSH D018813, MONDO:0008234, OMIM 171400.
RET-related disorder. Also called: RET-related disorders; RET-related condition; RET-related disease.
Hereditary cancer-predisposing syndrome. Also called: Tumor predisposition; Hereditary neoplastic syndrome; Neoplastic Syndromes, Hereditary; Hereditary Cancer Syndrome. Identifiers: Orphanet 140162, MedGen C0027672, MeSH D009386, MONDO:0015356.
Multiple endocrine neoplasia, type 2 (MEN2). Identifiers: Orphanet 653, MedGen C4048306, MONDO:0019003. Disease mechanism: gain of function.

Allele frequency attached by ClinVar (database versions not stated): gnomAD 0.00016 and 0.00015; 1000 Genomes Project 30x 0.00047; 1000 Genomes Project 0.00060; gnomAD exomes 0.00001 and 0.00005; ExAC 0.00003; TOPMed 0.00008.
gnomAD v4.1: 44 of 1,612,566 alleles (0.0027%); highest among the groups gnomAD compares: Admixed American, 0.048%; no homozygotes.

Submissions (10):

Labcorp Genetics (formerly Invitae), Labcorp
Classification: Uncertain significance for Multiple endocrine neoplasia, type 2. Last evaluated: 2026-01-06. Review status: criteria provided, single submitter. Criteria: Invitae Variant Classification Sherloc (09022015). Collection method: clinical testing. Allele origin: germline.
Comment: This sequence change falls in intron 14 of the RET gene. It does not directly change the encoded amino acid sequence of the RET protein. It affects a nucleotide within the consensus splice site. This variant is present in population databases (rs200634990, gnomAD 0.02%). This variant has not been reported in the literature in individuals affected with RET-related conditions. ClinVar contains an entry for this variant (Variation ID: 216720). Variants that disrupt the consensus splice site are a relatively common cause of aberrant splicing (PMID: 17576681, 9536098). Algorithms developed to predict the effect of sequence changes on RNA splicing suggest that this variant is not likely to affect RNA splicing. In summary, the available evidence is currently insufficient to determine the role of this variant in disease. Therefore, it has been classified as a Variant of Uncertain Significance.

Quest Diagnostics Nichols Institute San Juan Capistrano
Classification: Uncertain significance. Last evaluated: 2024-11-05. Review status: criteria provided, single submitter. Criteria: Quest Diagnostics criteria. Collection method: clinical testing. Allele origin: unknown.
Comment: The RET c.2607+4C>T variant has been reported in the published literature in individuals with a personal and/or family history of breast cancer (PMID: 35957908 (2022), 35534704 (2022)). The frequency of this variant in the general population, 0.00028 (10/35386 chromosomes in Admixed American subpopulation (Genome Aggregation Database)), is higher than would generally be expected for pathogenic variants in this gene. Analysis of this variant using software algorithms for the prediction of the effect of nucleotide changes on RET mRNA splicing yielded inconclusive findings. Based on the available information, we are unable to determine the clinical significance of this variant.

All of Us Research Program, National Institutes of Health
Classification: Uncertain significance for Multiple endocrine neoplasia, type 2. Last evaluated: 2024-07-29. Review status: criteria provided, single submitter. Criteria: ACMG Guidelines, 2015. Collection method: clinical testing. Allele origin: germline. Inheritance: Autosomal dominant inheritance. Observed: 7 variant alleles, 7 heterozygotes.
Comment: This variant causes a C to T nucleotide substitution at the +4 position of intron 14 of the RET gene. To our knowledge, RNA studies have not been reported for this variant. This variant has not been reported in individuals affected with RET-related disorders in the literature. This variant has been identified in 14/280052 chromosomes in the general population by the Genome Aggregation Database (gnomAD). The available evidence is insufficient to determine the role of this variant in disease conclusively. Therefore, this variant is classified as a Variant of Uncertain Significance.

This study involves interpretation of variants in research participants for the purpose of population health screening. Participant phenotype was not available at the time of variant classification. Additional details can be found in publication PMID: 35346344, PMCID: PMC8962531

Fulgent Genetics
Classification: Uncertain significance for Hirschsprung disease, susceptibility to, 1; Familial medullary thyroid carcinoma; Multiple endocrine neoplasia type 2B; Pheochromocytoma; Multiple endocrine neoplasia type 2A. Last evaluated: 2024-06-10. Review status: criteria provided, single submitter. Criteria: ACMG Guidelines, 2015. Collection method: clinical testing. Allele origin: germline.

Color Diagnostics, LLC DBA Color Health
Classification: Uncertain significance for Multiple endocrine neoplasia, type 2. Last evaluated: 2024-05-16. Review status: criteria provided, single submitter. Criteria: ACMG Guidelines, 2015. Collection method: clinical testing. Allele origin: germline.
Comment: This variant causes a C to T nucleotide substitution at the +4 position of intron 14 of the RET gene. To our knowledge, RNA studies have not been reported for this variant. This variant has not been reported in individuals affected with RET-related disorders in the literature. This variant has been identified in 14/280052 chromosomes in the general population by the Genome Aggregation Database (gnomAD). The available evidence is insufficient to determine the role of this variant in disease conclusively. Therefore, this variant is classified as a Variant of Uncertain Significance.

Myriad Genetics, Inc.
Classification: Uncertain significance for Multiple endocrine neoplasia type 2A. Last evaluated: 2023-04-18. Review status: criteria provided, single submitter. Criteria: Myriad Autosomal Dominant, Autosomal Recessive and X-Linked Classification Criteria (2023). Collection method: clinical testing. Allele origin: unknown.
Comment: This variant is classified as a variant of uncertain significance as there is insufficient evidence to determine its impact on protein function and/or cancer risk.

Ambry Genetics
Classification: Likely benign for Hereditary cancer-predisposing syndrome. Last evaluated: 2018-12-28. Review status: criteria provided, single submitter. Criteria: Ambry Variant Classification Scheme 2023. Collection method: clinical testing. Allele origin: germline.

PreventionGenetics, part of Exact Sciences
Classification: Likely benign for RET-related condition. Last evaluated: 2022-06-27. Review status: no assertion criteria provided. Collection method: clinical testing. Allele origin: germline. Not counted in ClinVar's aggregate classification.
Comment: This variant is classified as likely benign based on ACMG/AMP sequence variant interpretation guidelines (Richards et al. 2015 PMID: 25741868, with internal and published modifications).

Counsyl
Classification: Uncertain significance for Multiple endocrine neoplasia type 2B. Last evaluated: 2016-10-13. Review status: no assertion criteria provided. Collection method: clinical testing. Allele origin: unknown. Not counted in ClinVar's aggregate classification.

Counsyl
Classification: Uncertain significance for Multiple endocrine neoplasia type 2A. Last evaluated: 2016-10-13. Review status: no assertion criteria provided. Collection method: clinical testing. Allele origin: unknown. Not counted in ClinVar's aggregate classification.

Literature cited by the submitters: PubMed 17576681 (cited by Labcorp Genetics (formerly Invitae), Labcorp); PubMed 9536098 (cited by Labcorp Genetics (formerly Invitae), Labcorp); PubMed 35957908 (cited by Quest Diagnostics Nichols Institute San Juan Capistrano); PubMed 35534704 (cited by Quest Diagnostics Nichols Institute San Juan Capistrano).